The following is an entry in ClinVar:

NM_004859.4(CLTC):c.898G>A (p.Gly300Arg)

Gene: CLTC (clathrin heavy chain; plus strand). Cytogenetic location: 17q23.1.
Variant type: single nucleotide variant.
Coding change: c.898G>A on transcript NM_004859.4 (MANE Select); coding-DNA position 898, G replaced by A.
Protein change: p.Gly300Arg; replaces glycine 300 with arginine.
Molecular consequence: missense variant.
Genome position (GRCh38, 1-based): chr17:59,655,956, G>A. VCF-style: chr17-59655956-G-A. GRCh37 (hg19) VCF-style: chr17-57733317-G-A.
Other names: c.910G>A, p.Gly304Arg (NM_001288653.2); short protein forms G300R, G304R.
Identifiers: ClinVar variation 1306470 (VCV001306470.2), dbSNP rs2143527932, ClinGen allele CA400423055.
Genomic context (GRCh38, chr17:59,655,956, plus strand): 5'-GGTTATATCCACCTCTATGATCTTGAGACTGGTACCTGCATCTACATGAATAGAATCAGT[G>A]GAGAAACAATTTTTGTTACTGCACCTCATGAAGCCACAGCTGGAATAATTGGAGTAAACA-3'
Protein context (NP_004850.1, residues 290-310): GTCIYMNRIS[Gly300Arg]ETIFVTAPHE

ClinVar aggregate classification (germline): Uncertain significance (1 of 4 stars; one submission).

Submission:

GeneDx
Classification: Uncertain significance. Last evaluated: 2019-06-21. Review status: criteria provided, single submitter. Criteria: GeneDx Variant Classification Process June 2021. Collection method: clinical testing. Allele origin: germline. Affected: yes.
Comment: Not observed in large population cohorts (Lek et al., 2016); In silico analysis, which includes protein predictors and evolutionary conservation, supports a deleterious effect; Has not been previously published as pathogenic or benign to our knowledge